The following is an entry in ClinVar:

NM_001197104.2(KMT2A):c.2029C>T (p.Arg677Ter)

Gene: KMT2A (lysine methyltransferase 2A; plus strand). Cytogenetic location: 11q23.3.
Variant type: single nucleotide variant.
Coding change: c.2029C>T on transcript NM_001197104.2 (MANE Select); coding-DNA position 2029, C replaced by T.
Protein change: p.Arg677Ter; replaces arginine 677 with a stop codon.
Molecular consequence: nonsense.
Genome position (GRCh38, 1-based): chr11:118,473,188, C>T. VCF-style: chr11-118473188-C-T. GRCh37 (hg19) VCF-style: chr11-118343903-C-T.
Other names: c.2128C>T, p.Arg710Ter (NM_001412597.1); c.2029C>T, p.Arg677Ter (NM_005933.4); short protein forms R677*, R710*.
Identifiers: ClinVar variation 4823134 (VCV004823134.4).

ClinVar aggregate classification (germline): Pathogenic (1 of 4 stars; one submission).

Submission:

CeGaT Center for Human Genetics Tuebingen
Classification: Pathogenic. Last evaluated: 2026-01-01. Review status: criteria provided, single submitter. Criteria: CeGaT Center For Human Genetics Tuebingen Variant Classification Criteria Version 2. Collection method: clinical testing. Allele origin: germline. Affected: yes. Observed: 1 variant allele.
Comment: KMT2A: PVS1, PM2